The following is an entry in ClinVar:

ClinVar aggregate classification (germline): Uncertain significance. Review status: criteria provided, multiple submitters, no conflicts (2 of 4 stars). 2 submissions from 2 submitters: Uncertain significance (2). Last evaluated 2024-12-16.

Allele frequency attached by ClinVar (database versions not stated): gnomAD 0.00007 and 0.00009; gnomAD exomes 0.00007; TOPMed 0.00011; ExAC 0.00013.
gnomAD v4.1: 113 of 1,612,290 alleles (0.007%); highest among the groups gnomAD compares: Middle Eastern, 0.049%; no homozygotes.

Submissions (2):

Labcorp Genetics (formerly Invitae), Labcorp
Classification: Uncertain significance. Last evaluated: 2024-12-16. Review status: criteria provided, single submitter. Criteria: Invitae Variant Classification Sherloc (09022015). Collection method: clinical testing. Allele origin: germline.
Comment: This sequence change replaces arginine, which is basic and polar, with histidine, which is basic and polar, at codon 420 of the PLOD2 protein (p.Arg420His). This variant is present in population databases (rs746480869, gnomAD 0.04%). This variant has not been reported in the literature in individuals affected with PLOD2-related conditions. ClinVar contains an entry for this variant (Variation ID: 1471869). Invitae Evidence Modeling of protein sequence and biophysical properties (such as structural, functional, and spatial information, amino acid conservation, physicochemical variation, residue mobility, and thermodynamic stability) indicates that this missense variant is not expected to disrupt PLOD2 protein function with a negative predictive value of 80%. In summary, the available evidence is currently insufficient to determine the role of this variant in disease. Therefore, it has been classified as a Variant of Uncertain Significance.

GeneDx
Classification: Uncertain significance. Last evaluated: 2022-08-26. Review status: criteria provided, single submitter. Criteria: GeneDx Variant Classification Process June 2021. Collection method: clinical testing. Allele origin: germline. Affected: yes.
Comment: In silico analysis supports that this missense variant has a deleterious effect on protein structure/function; Has not been previously published as pathogenic or benign to our knowledge

NM_182943.3(PLOD2):c.1259G>A (p.Arg420His)

Gene: PLOD2 (procollagen-lysine,2-oxoglutarate 5-dioxygenase 2; minus strand). Cytogenetic location: 3q24.
Variant type: single nucleotide variant.
Coding change: c.1259G>A on transcript NM_182943.3 (MANE Select); coding-DNA position 1259, G replaced by A.
Protein change: p.Arg420His; replaces arginine 420 with histidine.
Molecular consequence: missense variant.
Genome position (GRCh38, 1-based): chr3:146,081,837, C>T on the plus strand (G>A on the coding strand, the complement: PLOD2 is on the minus strand). VCF-style: chr3-146081837-C-T. GRCh37 (hg19) VCF-style: chr3-145799624-C-T.
Other names: c.1259G>A, p.Arg420His (NM_000935.3); c.1259G>A (NM_182943.2); short protein forms R420H.
Identifiers: ClinVar variation 1471869 (VCV001471869.7), dbSNP rs746480869, ClinGen allele CA2654937.